The following is an entry in ClinVar:

ClinVar aggregate classification (germline): Uncertain significance (1 of 4 stars; one submission).

Submission:

Geisinger Autism and Developmental Medicine Institute, Geisinger Health System
Classification: Uncertain significance. Last evaluated: 2018-03-22. Review status: criteria provided, single submitter. Criteria: ACMG CNV Guidelines, 2011. Collection method: provider interpretation. Allele origin: maternal.
Comment: This duplication includes 15 genes, none of which are known to be triplosensitive at this time.

Single allele

Genes: B4GALT7 (beta-1,4-galactosyltransferase 7; plus strand), DBN1 (drebrin 1; minus strand), DDX41 (DEAD-box helicase 41; minus strand), DOK3 (docking protein 3; minus strand), F12 (coagulation factor XII; minus strand) and 10 more. Cytogenetic location: 5q35.3.
Variant type: Duplication.
Identifiers: ClinVar variation 560112 (VCV000560112.3).